The following is an entry in ClinVar:

NM_000169.3(GLA):c.289G>C (p.Ala97Pro)

Genes: GLA (galactosidase alpha; minus strand), RPL36A-HNRNPH2 (RPL36A-HNRNPH2 readthrough; plus strand). Cytogenetic location: Xq22.1.
Variant type: single nucleotide variant.
Coding change: c.289G>C on transcript NM_000169.3 (MANE Select); coding-DNA position 289, G replaced by C.
Protein change: p.Ala97Pro; replaces alanine 97 with proline.
Molecular consequence: missense variant. On other transcripts: non-coding transcript variant (3), intron variant (2).
Genome position (GRCh38, 1-based): chrX:101,403,891, C>G on the plus strand (G>C on the coding strand, the complement: GLA is on the minus strand). VCF-style: chrX-101403891-C-G. GRCh37 (hg19) VCF-style: chrX-100658879-C-G.
Other names: c.412G>C, p.Ala138Pro (NM_001406747.1, NM_001406749.1); c.289G>C, p.Ala97Pro (NM_001406748.1); c.301-8045C>G (NM_001199973.2); c.178-8045C>G (NM_001199974.2); short protein forms A138P, A97P.
Identifiers: ClinVar variation 4087334 (VCV004087334.2).
Genomic context (GRCh38, chrX:101,403,891, plus strand): 5'-TCCCATGAGGAAAGCGCTGAGGGTCTGCCTGAAGTCTGCCTTCTGAATCTCTTTGGGGAG[C>G]CATCCAACAGTCATCAATGCAGAGGTACTCATAACCTGCATCCTTCCAGCCTTCTGAGAC-3'
Protein context (NP_000160.1, residues 87-107): EYLCIDDCWM[Ala97Pro]PQRDSEGRLQ

ClinVar aggregate classification (germline): Likely pathogenic (1 of 4 stars; one submission).

Conditions:
Fabry disease. Also called: ALPHA-GALACTOSIDASE A DEFICIENCY; ANDERSON-FABRY DISEASE; CERAMIDE TRIHEXOSIDASE DEFICIENCY; GLA DEFICIENCY; HEREDITARY DYSTOPIC LIPIDOSIS; Angiokeratoma corporis diffusum. Identifiers: Orphanet 324, MedGen C0002986, MONDO:0010526, OMIM 301500, HP:0001071. Disease mechanism: Fabry disease is due to inactivating mutations in the X-linked GLA gene resulting in deficiency of the enzyme Alpha Galactosidase-A., loss of function.

Submission:

Genomenon, Inc
Classification: Likely pathogenic for Fabry disease. Last evaluated: 2026-09-08. Review status: criteria provided, single submitter. Criteria: Genomenon Sequence Variant Interpretation Standards - Updated. Collection method: curation. Allele origin: germline. Affected: yes.
Comment: GLA p.Ala97Pro (c.289G>C) is a missense variant that changes the amino acid at codon 97 from Alanine to Proline. This variant has been observed in at least one proband with clinical features consistent with Fabry disease (PMID:12207598). The variant was found to segregate with disease in at least one affected family (PMID:12207598). At least one functional study has demonstrated a substantial alteration in protein function relative to the wild-type (PMID:27657681). It is absent or not present at a significant frequency in gnomAD. In silico models predict that this variant is possibly or probably damaging. In conclusion, we classify GLA p.Ala97Pro (c.289G>C) as a likely pathogenic variant.

Literature cited by the submitters: PubMed 12207598; PubMed 27657681.